The following is an entry in ClinVar:

NM_001286577.2(C2CD3):c.1844-12T>A

Gene: C2CD3 (C2 domain containing 3 centriole elongation regulator; minus strand). Cytogenetic location: 11q13.4.
Variant type: single nucleotide variant.
Coding change: c.1844-12T>A on transcript NM_001286577.2 (MANE Select); 12 bases into the intron before coding-DNA position 1844, T replaced by A.
Molecular consequence: intron variant.
Genome position (GRCh38, 1-based): chr11:74,109,164, A>T on the plus strand (T>A on the coding strand, the complement: C2CD3 is on the minus strand). VCF-style: chr11-74109164-A-T. GRCh37 (hg19) VCF-style: chr11-73820209-A-T.
Other names: c.1844-12T>A (NM_015531.6).
Identifiers: ClinVar variation 3385236 (VCV003385236.1).

ClinVar aggregate classification (germline): Likely benign (1 of 4 stars; one submission).

Submission:

Women's Health and Genetics/Laboratory Corporation of America, LabCorp
Classification: Likely benign. Last evaluated: 2024-10-17. Review status: criteria provided, single submitter. Criteria: LabCorp Variant Classification Summary - May 2015. Collection method: clinical testing. Allele origin: germline.
Comment: Variant summary: C2CD3 c.1844-12T>A alters a nucleotide located at a position not widely known to affect splicing. Consensus agreement among computation tools predict no significant impact on normal splicing. However, these predictions have yet to be confirmed by functional studies. The variant was absent in 196792 control chromosomes. The available data on variant occurrences in the general population are insufficient to allow any conclusion about variant significance. To our knowledge, no occurrence of c.1844-12T>A in individuals affected with Orofaciodigital Syndrome Type 14 and no experimental evidence demonstrating its impact on protein function have been reported. No submitters have cited clinical-significance assessments for this variant to ClinVar. Based on the evidence outlined above, the variant was classified as likely benign.